The following is an entry in ClinVar:

ClinVar aggregate classification (germline): Likely benign. Review status: criteria provided, multiple submitters, no conflicts (2 of 4 stars). 2 submissions from 2 submitters: Likely benign (2). Last evaluated 2024-08-23.

Conditions:
Arrhythmogenic right ventricular cardiomyopathy (ARVD). Also called: Cardiomyopathy, ARVC; Arrhythmogenic right ventricular dysplasia; Arrhythmogenic cardiomyopathy; Arrhythmogenic Right Ventricular Cardiomyopathy (ARVC). Identifiers: Orphanet 247, MedGen C0349788, MeSH D019571, MONDO:0016587. Disease mechanism: loss of function. Inheritance: Various modes of inheritance.
Cardiomyopathy (CMYO). Also called: Cardiomyopathies. Identifiers: Orphanet 167848, MedGen C0878544, MONDO:0004994, HP:0001638. Inheritance: Various modes of inheritance.

Allele frequency attached by ClinVar (database versions not stated): gnomAD exomes below 0.00001; gnomAD 0.00001.
gnomAD v4.1: 2 of 1,613,758 alleles (0.00012%); highest among the groups gnomAD compares: Non-Finnish European, 0.00017%; no homozygotes.

Submissions (2):

All of Us Research Program, National Institutes of Health
Classification: Likely benign for Arrhythmogenic right ventricular cardiomyopathy. Last evaluated: 2024-08-23. Review status: criteria provided, single submitter. Criteria: ACMG Guidelines, 2015. Collection method: clinical testing. Allele origin: germline. Inheritance: Autosomal dominant inheritance. Observed: 1 variant allele, 1 heterozygote.
Comment: This study involves interpretation of variants in research participants for the purpose of population health screening. Participant phenotype was not available at the time of variant classification. Additional details can be found in publication PMID: 35346344, PMCID: PMC8962531

Color Diagnostics, LLC DBA Color Health
Classification: Likely benign for Cardiomyopathy. Last evaluated: 2020-12-11. Review status: criteria provided, single submitter. Criteria: ACMG Guidelines, 2015. Collection method: clinical testing. Allele origin: germline.

NM_001943.5(DSG2):c.564G>A (p.Glu188=)

Gene: DSG2 (desmoglein 2; plus strand). Cytogenetic location: 18q12.1.
Variant type: single nucleotide variant.
Coding change: c.564G>A on transcript NM_001943.5 (MANE Select); coding-DNA position 564, G replaced by A.
Protein change: p.Glu188=; no amino-acid change (glutamic acid 188 retained).
Molecular consequence: synonymous variant.
Genome position (GRCh38, 1-based): chr18:31,522,123, G>A. VCF-style: chr18-31522123-G-A. GRCh37 (hg19) VCF-style: chr18-29102086-G-A.
Identifiers: ClinVar variation 1171064 (VCV001171064.3), dbSNP rs1326016998, ClinGen allele CA503598105.